The following is an entry in ClinVar:

ClinVar aggregate classification (germline): Uncertain significance (1 of 4 stars; one submission).

Submission:

Labcorp Genetics (formerly Invitae), Labcorp
Classification: Uncertain significance. Last evaluated: 2023-10-13. Review status: criteria provided, single submitter. Criteria: Invitae Variant Classification Sherloc (09022015). Collection method: clinical testing. Allele origin: germline.
Comment: This sequence change replaces tryptophan, which is neutral and slightly polar, with arginine, which is basic and polar, at codon 379 of the SEC61A1 protein (p.Trp379Arg). This variant is not present in population databases (gnomAD no frequency). This variant has not been reported in the literature in individuals affected with SEC61A1-related conditions. ClinVar contains an entry for this variant (Variation ID: 1503662). Advanced modeling of protein sequence and biophysical properties (such as structural, functional, and spatial information, amino acid conservation, physicochemical variation, residue mobility, and thermodynamic stability) performed at Invitae indicates that this missense variant is expected to disrupt SEC61A1 protein function. In summary, the available evidence is currently insufficient to determine the role of this variant in disease. Therefore, it has been classified as a Variant of Uncertain Significance.

NM_013336.4(SEC61A1):c.1135T>A (p.Trp379Arg)

Genes: RUVBL1 (RuvB like AAA ATPase 1; minus strand), SEC61A1 (SEC61 translocon subunit alpha 1; plus strand). Cytogenetic location: 3q21.3.
Variant type: single nucleotide variant.
Coding change: c.1135T>A on transcript NM_013336.4 (MANE Select); coding-DNA position 1135, T replaced by A.
Protein change: p.Trp379Arg; replaces tryptophan 379 with arginine.
Molecular consequence: missense variant. On other transcripts: intron variant (1).
Genome position (GRCh38, 1-based): chr3:128,067,580, T>A. VCF-style: chr3-128067580-T-A. GRCh37 (hg19) VCF-style: chr3-127786423-T-A.
Other names: c.1153T>A, p.Trp385Arg (NM_001400328.1); c.976T>A, p.Trp326Arg (NM_001400329.1); c.940-2360A>T (NM_001319086.1); short protein forms W379R, W326R, W385R.
Identifiers: ClinVar variation 1503662 (VCV001503662.7), dbSNP rs2107651784, ClinGen allele CA354400880.
Genomic context (GRCh38, chr3:128,067,580, plus strand): 5'-GTCCATGCAGTTGTATACATAGTGTTCATGCTGGGCTCCTGTGCATTCTTCTCCAAAACG[T>A]GGATTGAGGTCTCAGGTTCCTCTGCCAAAGATGTAAGTAGAAGCAAAACTTTCTGGAAGG-3'
Protein context (NP_037468.1, residues 369-389): LGSCAFFSKT[Trp379Arg]IEVSGSSAKD